The following is an entry in ClinVar:

NM_001323289.2(CDKL5):c.2711del (p.Pro904fs)

Gene: CDKL5 (cyclin dependent kinase like 5; plus strand). Cytogenetic location: Xp22.13.
Variant type: Deletion.
Coding change: c.2711del on transcript NM_001323289.2 (MANE Select); coding-DNA position 2711, one base deleted (C; older notation c.2711delC).
Protein change: p.Pro904fs; shifts the reading frame from proline 904.
Molecular consequence: frameshift variant.
Genome position (GRCh38, 1-based): chrX:18,628,585, C deleted; the last of 2 consecutive C bases (chrX:18,628,584-18,628,585); deleting either gives the same sequence. VCF-style (leftmost placement, unchanged base first): chrX-18628583-GC-G. GRCh37 (hg19) VCF-style: chrX-18646703-GC-G.
Other names: NM_003159.3:c.2711del; c.2711del, p.Pro904fs (NM_001037343.2, NM_003159.3); short protein forms P904fs.
Identifiers: ClinVar variation 3344005 (VCV003344005.1).
Genomic context (GRCh38, chrX:18,628,583, plus strand): 5'-TGGCGGGAGCAGCAACATCCGGCAGGAACCCGCACCGAAGGGCAGGCCAGCCCTCCAGCT[GC>G]CAGGTCAGATGGATCCTGGTTGGCATGTGTCCTCTGTGACCAGGAGTGCCACAGAGGGCC-3'

ClinVar aggregate classification (germline): Likely pathogenic (1 of 4 stars; one submission).

Conditions:
CDKL5 disorder. Identifiers: MedGen CN296942, MONDO:0100039.

Submission:

Centre for Population Genomics, CPG
Classification: Likely pathogenic for CDKL5 disorder. Last evaluated: 2024-09-19. Review status: criteria provided, single submitter. Criteria: McKnight et al. (Hum Mutat. 2022). Collection method: curation. Allele origin: germline. Inheritance: X-linked inheritance.
Comment: This variant has been collected from RettBASE and curated to current modified ACMG/AMP criteria. Based on the classification scheme defined by the ClinGen Rett/Angelman-like Expert Panel for Rett/AS-like Disorders Specifications to the ACMG/AMP Variant Interpretation Guidelines VCEP 3.0, this variant is classified as likely pathogenic. At least the following criteria are met: Predicted to result in loss of function, and LOF is a known mechanism of disease (PVS1). Has been observed in at least 1 individual with phenotypes consistent with CDKL5 disorder (PMID: 22872100). This variant is absent from gnomAD (PM2_Supporting).